The following is an entry in ClinVar:

NM_001035.3(RYR2):c.8342C>T (p.Thr2781Ile)

Gene: RYR2 (ryanodine receptor 2; plus strand). Cytogenetic location: 1q43.
Variant type: single nucleotide variant.
Coding change: c.8342C>T on transcript NM_001035.3 (MANE Select); coding-DNA position 8342, C replaced by T.
Protein change: p.Thr2781Ile; replaces threonine 2781 with isoleucine.
Molecular consequence: missense variant.
Genome position (GRCh38, 1-based): chr1:237,660,853, C>T. VCF-style: chr1-237660853-C-T. GRCh37 (hg19) VCF-style: chr1-237824153-C-T.
Other names: short protein forms T2781I.
Identifiers: ClinVar variation 3071130 (VCV003071130.1), dbSNP rs369963696, ClinGen allele CA087612.

ClinVar aggregate classification (germline): Uncertain significance (1 of 4 stars; one submission).

Conditions:
Catecholaminergic polymorphic ventricular tachycardia (CVPT). Also called: Catecholamine-induced polymorphic ventricular tachycardia. Identifiers: Orphanet 3286, MedGen C5574922, MONDO:0017990.

Allele frequency attached by ClinVar (database versions not stated): TOPMed below 0.00001; gnomAD 0.00001; ExAC 0.00005; ESP Exome Variant Server 0.00010.
gnomAD v4.1: 1 of 1,546,908 alleles (0.000065%); highest among the groups gnomAD compares: Non-Finnish European, 0.000087%; no homozygotes.

Submission:

All of Us Research Program, National Institutes of Health
Classification: Uncertain significance for Catecholaminergic polymorphic ventricular tachycardia. Last evaluated: 2023-10-06. Review status: criteria provided, single submitter. Criteria: ACMG Guidelines, 2015. Collection method: clinical testing. Allele origin: germline. Inheritance: Autosomal dominant inheritance. Observed: 2 variant alleles, 2 heterozygotes.
Comment: This missense variant replaces threonine with isoleucine at codon 2781 of the RYR2 protein. Computational prediction is inconclusive regarding the impact of this variant on protein structure and function (internally defined REVEL score threshold 0.5 < inconclusive < 0.7, PMID: 27666373). To our knowledge, functional studies have not been reported for this variant. This variant has not been reported in individuals affected with RYR2-related disorders in the literature. This variant has been identified in 1/155974 chromosomes in the general population by the Genome Aggregation Database (gnomAD). The available evidence is insufficient to determine the role of this variant in disease conclusively. Therefore, this variant is classified as a Variant of Uncertain Significance.

This study involves interpretation of variants in research participants for the purpose of population health screening. Participant phenotype was not available at the time of variant classification. Additional details can be found in publication PMID: 35346344, PMCID: PMC8962531